The following is an entry in ClinVar:

ClinVar aggregate classification (germline): Pathogenic/Likely pathogenic. Review status: criteria provided, multiple submitters, no conflicts (2 of 4 stars). 2 submissions from 2 submitters: Pathogenic (1); Likely pathogenic (1). Last evaluated 2023-06-09.

Conditions:
Vici syndrome (VICIS). Identifiers: Orphanet 1493, MedGen C1855772, MONDO:0009452, OMIM 242840.

Submissions (2):

Labcorp Genetics (formerly Invitae), Labcorp
Classification: Likely pathogenic for Vici syndrome. Last evaluated: 2023-06-09. Review status: criteria provided, single submitter. Criteria: Invitae Variant Classification Sherloc (09022015). Collection method: clinical testing. Allele origin: germline.
Comment: This variant has not been reported in the literature in individuals affected with EPG5-related conditions. In summary, the currently available evidence indicates that the variant is pathogenic, but additional data are needed to prove that conclusively. Therefore, this variant has been classified as Likely Pathogenic. Algorithms developed to predict the effect of sequence changes on RNA splicing suggest that this variant may disrupt the consensus splice site. ClinVar contains an entry for this variant (Variation ID: 285882). This variant is not present in population databases (gnomAD no frequency). This sequence change affects a donor splice site in intron 5 of the EPG5 gene. It is expected to disrupt RNA splicing. Variants that disrupt the donor or acceptor splice site typically lead to a loss of protein function (PMID: 16199547), and loss-of-function variants in EPG5 are known to be pathogenic (PMID: 23222957, 23674064).

Eurofins Ntd Llc (ga)
Classification: Pathogenic. Last evaluated: 2016-02-16. Review status: criteria provided, single submitter. Criteria: EGL Classification Definitions 2015. Collection method: clinical testing. Allele origin: germline. Observed: 1 variant allele, 1 heterozygote.

Literature cited by the submitters: PubMed 16199547 (cited by Labcorp Genetics (formerly Invitae), Labcorp); PubMed 23222957 (cited by Labcorp Genetics (formerly Invitae), Labcorp); PubMed 23674064 (cited by Labcorp Genetics (formerly Invitae), Labcorp).

NM_020964.3(EPG5):c.1497+1G>T

Gene: EPG5 (ectopic P-granules 5 autophagy tethering factor; minus strand). Cytogenetic location: 18q21.1.
Variant type: single nucleotide variant.
Coding change: c.1497+1G>T on transcript NM_020964.3 (MANE Select); the canonical splice donor site of the intron after coding-DNA position 1497, G replaced by T.
Molecular consequence: splice donor variant.
Genome position (GRCh38, 1-based): chr18:45,949,483, C>A on the plus strand (G>T on the coding strand, the complement: EPG5 is on the minus strand). VCF-style: chr18-45949483-C-A. GRCh37 (hg19) VCF-style: chr18-43529449-C-A.
Other names: c.1497+1G>T (NM_001410858.1, NM_001410859.1).
Identifiers: ClinVar variation 285882 (VCV000285882.8), dbSNP rs886043244, ClinGen allele CA10605284.
Genomic context (GRCh38, chr18:45,949,483, plus strand): 5'-GAATAATGTCTAATAAAACCTCTCCCCCAACCCCTCAGAATGAGTTGATGATTCATCATA[C>A]CTGGATAAAAGGAACAGCCCATTTACTAACACCAGCGGGGCATCGAAGAATATGGTTTAG-3'